The following is an entry in ClinVar:

ClinVar aggregate classification (germline): Uncertain significance. Review status: criteria provided, multiple submitters, no conflicts (2 of 4 stars). 5 submissions from 5 submitters: Uncertain significance (5). Last evaluated 2025-06-12.

Conditions:
Autosomal dominant nonsyndromic hearing loss 6 (LFSNHL). Also called: Autosomal dominant nonsyndromic deafness 6; DEAFNESS, AUTOSOMAL DOMINANT 14; DEAFNESS, AUTOSOMAL DOMINANT 38; DEAFNESS, AUTOSOMAL DOMINANT 6. Identifiers: Orphanet 90635, MedGen C1833021, MONDO:0010963, OMIM 600965.
Type 2 diabetes mellitus. Also called: Type II diabetes mellitus. Identifiers: MedGen C0011860, MeSH D003924, MONDO:0005148, OMIM 125853, HP:0005978.
Wolfram-like syndrome. Also called: HEARING LOSS, PROGRESSIVE, WITH OPTIC ATROPHY AND/OR IMPAIRED GLUCOSE REGULATION. Identifiers: Orphanet 411590, MedGen C3280358, MONDO:0013673, OMIM 614296.
Wolfram syndrome 1 (WFS1). Identifiers: Orphanet 3463, MedGen C4551693, MONDO:0009101, OMIM 222300.
Cataract 41 (CTRCT41). Also called: CATARACT 41, CONGENITAL NUCLEAR TYPE. Identifiers: Orphanet 91492, Orphanet 98991, Orphanet 98992, Orphanet 98995, MedGen C3805412, MONDO:0007287, OMIM 116400.

Allele frequency attached by ClinVar (database versions not stated): gnomAD exomes 0.00003; ExAC 0.00011; gnomAD 0.00012 and 0.00015; TOPMed 0.00015.
gnomAD v4.1: 65 of 1,585,914 alleles (0.0041%); highest among the groups gnomAD compares: African/African-American, 0.042%; no homozygotes.

Submissions (5):

Labcorp Genetics (formerly Invitae), Labcorp
Classification: Uncertain significance. Last evaluated: 2025-06-12. Review status: criteria provided, single submitter. Criteria: Invitae Variant Classification Sherloc (09022015). Collection method: clinical testing. Allele origin: germline.
Comment: This sequence change replaces arginine, which is basic and polar, with histidine, which is basic and polar, at codon 24 of the WFS1 protein (p.Arg24His). The frequency data for this variant in the population databases is considered unreliable, as metrics indicate poor data quality at this position in the gnomAD database. This variant has not been reported in the literature in individuals affected with WFS1-related conditions. ClinVar contains an entry for this variant (Variation ID: 1189603). Invitae Evidence Modeling of protein sequence and biophysical properties (such as structural, functional, and spatial information, amino acid conservation, physicochemical variation, residue mobility, and thermodynamic stability) indicates that this missense variant is not expected to disrupt WFS1 protein function with a negative predictive value of 95%. In summary, the available evidence is currently insufficient to determine the role of this variant in disease. Therefore, it has been classified as a Variant of Uncertain Significance.

Neuberg Centre For Genomic Medicine, NCGM
Classification: Uncertain significance for Autosomal dominant nonsyndromic hearing loss 6. Last evaluated: 2024-02-01. Review status: criteria provided, single submitter. Criteria: ACMG Guidelines, 2015. Collection method: clinical testing. Allele origin: germline. Inheritance: Autosomal dominant inheritance.
Comment: The missense variant c.71G>A (p.Arg24His) in the WFS1 gene has not been reported previously as a pathogenic variant nor as a benign variant, to our knowledge. The amino acid Arg at position 24 is changed to a His changing protein sequence and it might alter its composition and physico-chemical properties. For these reasons, this variant has been classified as Uncertain Significance.

GeneDx
Classification: Uncertain significance. Last evaluated: 2023-11-01. Review status: criteria provided, single submitter. Criteria: GeneDx Variant Classification Process June 2021. Collection method: clinical testing. Allele origin: germline. Affected: yes.
Comment: In silico analysis supports that this missense variant does not alter protein structure/function; Has not been previously published as pathogenic or benign to our knowledge

Blueprint Genetics
Classification: Uncertain significance. Last evaluated: 2022-06-23. Review status: criteria provided, single submitter. Criteria: ACMG Guidelines, 2015. Collection method: clinical testing. Allele origin: germline.

Fulgent Genetics
Classification: Uncertain significance for Cataract 41; Type 2 diabetes mellitus; Wolfram syndrome 1; Autosomal dominant nonsyndromic hearing loss 6; Wolfram-like syndrome. Last evaluated: 2022-05-17. Review status: criteria provided, single submitter. Criteria: ACMG Guidelines, 2015. Collection method: clinical testing. Allele origin: unknown.

NM_006005.3(WFS1):c.71G>A (p.Arg24His)

Gene: WFS1 (wolframin ER transmembrane glycoprotein; plus strand). Cytogenetic location: 4p16.1.
Variant type: single nucleotide variant.
Coding change: c.71G>A on transcript NM_006005.3 (MANE Select); coding-DNA position 71, G replaced by A.
Protein change: p.Arg24His; replaces arginine 24 with histidine.
Molecular consequence: missense variant.
Genome position (GRCh38, 1-based): chr4:6,277,526, G>A. VCF-style: chr4-6277526-G-A. GRCh37 (hg19) VCF-style: chr4-6279253-G-A.
Other names: c.71G>A, p.Arg24His (NM_001145853.1); short protein forms R24H.
Identifiers: ClinVar variation 1189603 (VCV001189603.14), dbSNP rs71524364, ClinGen allele CA2838790.